The following is an entry in ClinVar:

ClinVar aggregate classification (germline): Likely benign. Review status: criteria provided, multiple submitters, no conflicts (2 of 4 stars). 3 submissions from 3 submitters: Likely benign (2). 1 of the submissions does not count toward it. Last evaluated 2025-07-29.

Conditions:
Epidermolysis bullosa simplex, Ogna type (EBS5A). Also called: Pidermolysis bullosa simplex 5A, Ogna type; EPIDERMOLYSIS BULLOSA SIMPLEX 5A, OGNA TYPE. Identifiers: Orphanet 79401, MedGen C0432317, MONDO:0007555, OMIM 131950.
Autosomal recessive limb-girdle muscular dystrophy type 2Q (LGMDR17). Also called: MUSCULAR DYSTROPHY, LIMB-GIRDLE, AUTOSOMAL RECESSIVE 17. Identifiers: Orphanet 254361, MedGen C3150989, MONDO:0013390, OMIM 613723.
Epidermolysis bullosa simplex with nail dystrophy (EBS5D). Identifiers: MedGen C4225309, MONDO:0014661, OMIM 616487.
Epidermolysis bullosa simplex 5C, with pyloric atresia (EBS5C). Also called: PLEC1-Related Epidermolysis Bullosa with Pyloric Atresia; PLEC-Related Epidermolysis Bullosa with Pyloric Atresia; Epidermolysis bullosa simplex with pyloric atresia. Identifiers: Orphanet 158684, MedGen C2677349, MONDO:0012807, OMIM 612138.
Epidermolysis bullosa simplex 5B, with muscular dystrophy (EBS5B). Also called: Epidermolysis bullosa simplex with muscular dystrophy; EPIDERMOLYSIS BULLOSA SIMPLEX AND LIMB-GIRDLE MUSCULAR DYSTROPHY. Identifiers: Orphanet 257, MedGen C2931072, MONDO:0009181, OMIM 226670.
PLEC-related disorder. Also called: PLEC-related condition; PLEC-related disorders.

Allele frequency attached by ClinVar (database versions not stated): gnomAD 0.00005 and 0.00004; gnomAD exomes 0.00008 and 0.00004; ExAC 0.00010; TOPMed 0.00003.

Submissions (3):

Labcorp Genetics (formerly Invitae), Labcorp
Classification: Likely benign for Autosomal recessive limb-girdle muscular dystrophy type 2Q; Epidermolysis bullosa simplex, Ogna type; Epidermolysis bullosa simplex with nail dystrophy; Epidermolysis bullosa simplex 5C, with pyloric atresia; Epidermolysis bullosa simplex 5B, with muscular dystrophy. Last evaluated: 2025-07-29. Review status: criteria provided, single submitter. Criteria: Invitae Variant Classification Sherloc (09022015). Collection method: clinical testing. Allele origin: germline.

CeGaT Center for Human Genetics Tuebingen
Classification: Likely benign. Last evaluated: 2022-03-01. Review status: criteria provided, single submitter. Criteria: CeGaT Center For Human Genetics Tuebingen Variant Classification Criteria Version 2. Collection method: clinical testing. Allele origin: germline. Affected: yes. Observed: 1 variant allele.
Comment: PLEC: BP4, BP7

PreventionGenetics, part of Exact Sciences
Classification: Likely benign for PLEC-related condition. Last evaluated: 2024-06-04. Review status: no assertion criteria provided. Collection method: clinical testing. Allele origin: germline. Not counted in ClinVar's aggregate classification.
Comment: This variant is classified as likely benign based on ACMG/AMP sequence variant interpretation guidelines (Richards et al. 2015 PMID: 25741868, with internal and published modifications).

NM_201384.3(PLEC):c.6009G>A (p.Gln2003=)

Gene: PLEC (plectin; minus strand). Cytogenetic location: 8q24.3.
Variant type: single nucleotide variant.
Coding change: c.6009G>A on transcript NM_201384.3 (MANE Select); coding-DNA position 6009, G replaced by A.
Protein change: p.Gln2003=; no amino-acid change (glutamine 2003 retained).
Molecular consequence: synonymous variant.
Genome position (GRCh38, 1-based): chr8:143,923,920, C>T on the plus strand (G>A on the coding strand, the complement: PLEC is on the minus strand). VCF-style: chr8-143923920-C-T. GRCh37 (hg19) VCF-style: chr8-144998088-C-T.
Other names: c.6090G>A, p.Gln2030= (NM_000445.5); c.5967G>A, p.Gln1989= (NM_201378.4); c.5943G>A, p.Gln1981= (NM_201379.3); c.6420G>A, p.Gln2140= (NM_201380.4); c.5913G>A, p.Gln1971= (NM_201381.3); c.6009G>A, p.Gln2003= (NM_201382.4); c.6021G>A, p.Gln2007= (NM_201383.3); c.6090G>A (NM_000445.4).
Identifiers: ClinVar variation 1117099 (VCV001117099.31), dbSNP rs782804807, ClinGen allele CA4926147.